The following is an entry in ClinVar:

NM_001298.3(CNGA3):c.137T>C (p.Leu46Pro)

Gene: CNGA3 (cyclic nucleotide gated channel subunit alpha 3; plus strand). Cytogenetic location: 2q11.2.
Variant type: single nucleotide variant.
Coding change: c.137T>C on transcript NM_001298.3 (MANE Select); coding-DNA position 137, T replaced by C.
Protein change: p.Leu46Pro; replaces leucine 46 with proline.
Molecular consequence: missense variant.
Genome position (GRCh38, 1-based): chr2:98,377,722, T>C. VCF-style: chr2-98377722-T-C. GRCh37 (hg19) VCF-style: chr2-98994185-T-C.
Other names: c.137T>C, p.Leu46Pro (NM_001079878.2); short protein forms L46P.
Identifiers: ClinVar variation 1036079 (VCV001036079.9), dbSNP rs368755294, ClinGen allele CA1793587.

ClinVar aggregate classification (germline): Uncertain significance (1 of 4 stars; one submission).

Allele frequency attached by ClinVar (database versions not stated): gnomAD exomes below 0.00001; ExAC 0.00001; gnomAD 0.00001; TOPMed 0.00001; ESP Exome Variant Server 0.00015.
gnomAD v4.1: 2 of 1,613,350 alleles (0.00012%); highest among the groups gnomAD compares: Non-Finnish European, 0.00017%; no homozygotes.

Submission:

Labcorp Genetics (formerly Invitae), Labcorp
Classification: Uncertain significance. Last evaluated: 2022-03-19. Review status: criteria provided, single submitter. Criteria: Invitae Variant Classification Sherloc (09022015). Collection method: clinical testing. Allele origin: germline.
Comment: This sequence change replaces leucine, which is neutral and non-polar, with proline, which is neutral and non-polar, at codon 46 of the CNGA3 protein (p.Leu46Pro). This variant is present in population databases (rs368755294, gnomAD 0.0009%). This variant has not been reported in the literature in individuals affected with CNGA3-related conditions. ClinVar contains an entry for this variant (Variation ID: 1036079). Advanced modeling of protein sequence and biophysical properties (such as structural, functional, and spatial information, amino acid conservation, physicochemical variation, residue mobility, and thermodynamic stability) performed at Invitae indicates that this missense variant is not expected to disrupt CNGA3 protein function. In summary, the available evidence is currently insufficient to determine the role of this variant in disease. Therefore, it has been classified as a Variant of Uncertain Significance.